The following is an entry in ClinVar:

NM_002103.5(GYS1):c.1068C>T (p.Asn356=)

Gene: GYS1 (glycogen synthase 1; minus strand). Cytogenetic location: 19q13.33.
Variant type: single nucleotide variant.
Coding change: c.1068C>T on transcript NM_002103.5 (MANE Select); coding-DNA position 1068, C replaced by T.
Protein change: p.Asn356=; no amino-acid change (asparagine 356 retained).
Molecular consequence: synonymous variant. On other transcripts: non-coding transcript variant (1).
Genome position (GRCh38, 1-based): chr19:48,981,631, G>A on the plus strand (C>T on the coding strand, the complement: GYS1 is on the minus strand). VCF-style: chr19-48981631-G-A. GRCh37 (hg19) VCF-style: chr19-49484888-G-A.
Other names: c.876C>T, p.Asn292= (NM_001161587.2).
Identifiers: ClinVar variation 728432 (VCV000728432.32), dbSNP rs746981890, ClinGen allele CA9563096.

ClinVar aggregate classification (germline): Likely benign. Review status: criteria provided, multiple submitters, no conflicts (2 of 4 stars). 3 submissions from 3 submitters: Likely benign (3). Last evaluated 2025-04-26.

Conditions:
Glycogen storage disease due to muscle and heart glycogen synthase deficiency. Also called: GSD 0b; MUSCLE GLYCOGEN SYNTHASE DEFICIENCY. Identifiers: Orphanet 137625, MedGen C1969054, MONDO:0012693, OMIM 611556.

Allele frequency attached by ClinVar (database versions not stated): gnomAD 0.00014 and 0.00015; gnomAD exomes 0.00015 and 0.00019; TOPMed 0.00016; ExAC 0.00018.
gnomAD v4.1: 301 of 1,603,274 alleles (0.019%); highest among the groups gnomAD compares: Non-Finnish European, 0.023%; 1 homozygote.

Submissions (3):

Labcorp Genetics (formerly Invitae), Labcorp
Classification: Likely benign for Glycogen storage disease due to muscle and heart glycogen synthase deficiency. Last evaluated: 2025-04-26. Review status: criteria provided, single submitter. Criteria: Invitae Variant Classification Sherloc (09022015). Collection method: clinical testing. Allele origin: germline.

Blueprint Genetics
Classification: Likely benign. Last evaluated: 2024-11-27. Review status: criteria provided, single submitter. Criteria: ACMG Guidelines, 2015. Collection method: clinical testing. Allele origin: germline.

CeGaT Center for Human Genetics Tuebingen
Classification: Likely benign. Last evaluated: 2024-02-01. Review status: criteria provided, single submitter. Criteria: CeGaT Center For Human Genetics Tuebingen Variant Classification Criteria Version 2. Collection method: clinical testing. Allele origin: germline. Affected: yes. Observed: 1 variant allele.
Comment: GYS1: BP4, BP7